The following is an entry in ClinVar:

NM_001367823.1(ARHGEF18):c.2610A>G (p.Leu870=)

Gene: ARHGEF18 (Rho/Rac guanine nucleotide exchange factor 18; plus strand). Cytogenetic location: 19p13.2.
Variant type: single nucleotide variant.
Coding change: c.2610A>G on transcript NM_001367823.1 (MANE Select); coding-DNA position 2610, A replaced by G.
Protein change: p.Leu870=; no amino-acid change (leucine 870 retained).
Molecular consequence: synonymous variant.
Genome position (GRCh38, 1-based): chr19:7,462,309, A>G. VCF-style: chr19-7462309-A-G. GRCh37 (hg19) VCF-style: chr19-7527195-A-G.
Other names: c.1884A>G, p.Leu628= (NM_001130955.2); c.1572A>G, p.Leu524= (NM_001367824.1, NM_015318.4).
Identifiers: ClinVar variation 777897 (VCV000777897.30), dbSNP rs45567132, ClinGen allele CA9136914.

ClinVar aggregate classification (germline): Benign/Likely benign. Review status: criteria provided, multiple submitters, no conflicts (2 of 4 stars). 3 submissions from 3 submitters: Benign (1); Likely benign (2). Last evaluated 2026-09-01.

Allele frequency attached by ClinVar (database versions not stated): gnomAD exomes 0.00209 and 0.00319; gnomAD 0.00210 and 0.00214; ExAC 0.00221; ESP Exome Variant Server 0.00261; 1000 Genomes Project 30x 0.00078; 1000 Genomes Project 0.00100; TOPMed 0.00192.
gnomAD v4.1: 4,856 of 1,605,456 alleles (0.3%); highest among the groups gnomAD compares: Non-Finnish European, 0.39%; 13 homozygotes.

Submissions (3):

CeGaT Center for Human Genetics Tuebingen
Classification: Likely benign. Last evaluated: 2026-09-01. Review status: criteria provided, single submitter. Criteria: CeGaT Center For Human Genetics Tuebingen Variant Classification Criteria Version 2. Collection method: clinical testing. Allele origin: germline. Affected: yes. Observed: 5 variant alleles.
Comment: ARHGEF18: BP4, BP7, BS2

Labcorp Genetics (formerly Invitae), Labcorp
Classification: Benign. Last evaluated: 2026-01-21. Review status: criteria provided, single submitter. Criteria: Invitae Variant Classification Sherloc (09022015). Collection method: clinical testing. Allele origin: germline.

Blueprint Genetics
Classification: Likely benign. Last evaluated: 2024-11-06. Review status: criteria provided, single submitter. Criteria: ACMG Guidelines, 2015. Collection method: clinical testing. Allele origin: germline.